The following is an entry in ClinVar:

NM_000059.4(BRCA2):c.10039A>G (p.Ile3347Val)

Gene: BRCA2 (BRCA2 DNA repair associated; plus strand). Cytogenetic location: 13q13.1.
Variant type: single nucleotide variant.
Coding change: c.10039A>G on transcript NM_000059.4 (MANE Select); coding-DNA position 10039, A replaced by G.
Protein change: p.Ile3347Val; replaces isoleucine 3347 with valine.
Molecular consequence: missense variant.
Genome position (GRCh38, 1-based): chr13:32,398,552, A>G. VCF-style: chr13-32398552-A-G. GRCh37 (hg19) VCF-style: chr13-32972689-A-G.
Other names: c.9943A>G, p.Ile3315Val (NM_001406719.1); c.9988A>G, p.Ile3330Val (NM_001406720.1); c.5107A>G, p.Ile1703Val (NM_001406721.1); c.3622A>G, p.Ile1208Val (NM_001406722.1); short protein forms I3315V, I3330V, I1208V, I1703V, I3347V.
Identifiers: ClinVar variation 1774178 (VCV001774178.2), dbSNP rs2137666005, ClinGen allele CA387767796.

ClinVar aggregate classification (germline): Uncertain significance (1 of 4 stars; one submission).

Conditions:
Hereditary cancer-predisposing syndrome. Also called: Hereditary Cancer Syndrome; Hereditary neoplastic syndrome; Neoplastic Syndromes, Hereditary; Tumor predisposition. Identifiers: Orphanet 140162, MedGen C0027672, MeSH D009386, MONDO:0015356.

Submission:

Ambry Genetics
Classification: Uncertain significance for Hereditary cancer-predisposing syndrome. Last evaluated: 2021-09-04. Review status: criteria provided, single submitter. Criteria: Ambry Variant Classification Scheme 2023. Collection method: clinical testing. Allele origin: germline.
Comment: The p.I3347V variant (also known as c.10039A>G), located in coding exon 26 of the BRCA2 gene, results from an A to G substitution at nucleotide position 10039. The isoleucine at codon 3347 is replaced by valine, an amino acid with highly similar properties. This amino acid position is conserved. In addition, this alteration is predicted to be tolerated by in silico analysis. Since supporting evidence is limited at this time, the clinical significance of this alteration remains unclear.